The following is an entry in ClinVar:

NM_015726.4(DCAF8):c.723+30G>C

Gene: DCAF8 (DDB1 and CUL4 associated factor 8; minus strand). Cytogenetic location: 1q23.2.
Variant type: single nucleotide variant.
Coding change: c.723+30G>C on transcript NM_015726.4 (MANE Select); 30 bases into the intron after coding-DNA position 723, G replaced by C.
Molecular consequence: intron variant. On other transcripts: non-coding transcript variant (2).
Genome position (GRCh38, 1-based): chr1:160,239,667, C>G on the plus strand (G>C on the coding strand, the complement: DCAF8 is on the minus strand). VCF-style: chr1-160239667-C-G. GRCh37 (hg19) VCF-style: chr1-160209457-C-G.
Identifiers: ClinVar variation 4681307 (VCV004681307.5).

ClinVar aggregate classification (germline): Likely benign (1 of 4 stars; one submission).

gnomAD v4.1: 338 of 1,614,094 alleles (0.021%); highest among the groups gnomAD compares: Non-Finnish European, 0.019%; 3 homozygotes.

Submission:

CeGaT Center for Human Genetics Tuebingen
Classification: Likely benign. Last evaluated: 2025-12-01. Review status: criteria provided, single submitter. Criteria: CeGaT Center For Human Genetics Tuebingen Variant Classification Criteria Version 2. Collection method: clinical testing. Allele origin: germline. Affected: yes. Observed: 1 variant allele.
Comment: DCAF8: BS2